The following is an entry in ClinVar:

NM_004456.5(EZH2):c.71T>G (p.Met24Arg)

Gene: EZH2 (enhancer of zeste 2 polycomb repressive complex 2 subunit; minus strand). Cytogenetic location: 7q36.1.
Variant type: single nucleotide variant.
Coding change: c.71T>G on transcript NM_004456.5 (MANE Select); coding-DNA position 71, T replaced by G.
Protein change: p.Met24Arg; replaces methionine 24 with arginine.
Molecular consequence: missense variant.
Genome position (GRCh38, 1-based): chr7:148,847,228, A>C on the plus strand (T>G on the coding strand, the complement: EZH2 is on the minus strand). VCF-style: chr7-148847228-A-C. GRCh37 (hg19) VCF-style: chr7-148544320-A-C.
Other names: c.71T>G, p.Met24Arg (NM_001203247.2, NM_001203248.2, NM_001203249.2 and 1 more transcripts); short protein forms M24R.
Identifiers: ClinVar variation 4527828 (VCV004527828.1).

ClinVar aggregate classification (germline): Uncertain significance (1 of 4 stars; one submission).

Submission:

GeneDx
Classification: Uncertain significance. Last evaluated: 2025-05-06. Review status: criteria provided, single submitter. Criteria: GeneDx Variant Classification Process June 2021. Collection method: clinical testing. Allele origin: germline. Affected: yes.
Comment: Not observed at significant frequency in large population cohorts (gnomAD); In silico analysis supports that this missense variant has a deleterious effect on protein structure/function; Has not been previously published as pathogenic or benign to our knowledge